The following is an entry in ClinVar:

ClinVar aggregate classification (germline): Likely benign (1 of 4 stars; one submission).

Conditions:
RFX6-related disorder. Also called: RFX6-related condition.

gnomAD v4.1: 4 of 1,611,126 alleles (0.00025%); highest among the groups gnomAD compares: Non-Finnish European, 0.00025%; no homozygotes.

Submission:

PreventionGenetics, part of Exact Sciences
Classification: Likely benign for RFX6-related condition. Last evaluated: 2026-08-31. Review status: criteria provided, single submitter. Criteria: ACMG Guidelines, 2015. Collection method: clinical testing. Allele origin: germline.
Comment: This variant is classified as likely benign based on ACMG/AMP sequence variant interpretation guidelines (Richards et al. 2015 PMID: 25741868, with internal and published modifications).

NM_173560.4(RFX6):c.1881C>T (p.Leu627=)

Genes: RFX6 (regulatory factor X6; plus strand), LOC126859771 (BRD4-independent group 4 enhancer GRCh37_chr6:117246147-117247346; plus strand). Cytogenetic location: 6q22.1.
Variant type: single nucleotide variant.
Coding change: c.1881C>T on transcript NM_173560.4 (MANE Select); coding-DNA position 1881, C replaced by T.
Protein change: p.Leu627=; no amino-acid change (leucine 627 retained).
Molecular consequence: synonymous variant.
Genome position (GRCh38, 1-based): chr6:116,925,655, C>T. VCF-style: chr6-116925655-C-T. GRCh37 (hg19) VCF-style: chr6-117246818-C-T.
Identifiers: ClinVar variation 4993942 (VCV004993942.1).
Genomic context (GRCh38, chr6:116,925,655, plus strand): 5'-TGGAGGCCTAGGCCCTGCTCTGCACCAGTTCCCTGCTGGGAACACAGACAACATGCCGCT[C>T]ACAGGTACGCTAAAGAGAACTGCTTAGGCTCCAGCACATCTCAGAGAAGCCTGTTGCTTC-3'
Protein context (NP_775831.2, residues 617-637): FPAGNTDNMP[Leu627=]TGQMELSQIA